The following is an entry in ClinVar:

ClinVar aggregate classification (germline): Likely benign. Review status: criteria provided, multiple submitters, no conflicts (2 of 4 stars). 2 submissions from 2 submitters: Likely benign (2). Last evaluated 2025-01-29.

Conditions:
Inborn genetic diseases. Identifiers: MedGen C0950123, MeSH D030342.

gnomAD v4.1: 51 of 1,613,490 alleles (0.0032%); highest among the groups gnomAD compares: African/African-American, 0.063%; no homozygotes.

Submissions (2):

Mayo Clinic Laboratories, Mayo Clinic
Classification: Likely benign. Last evaluated: 2025-01-29. Review status: criteria provided, single submitter. Criteria: ACMG Guidelines, 2015. Collection method: clinical testing. Allele origin: germline. Observed: 1 variant allele.
Comment: BP4, BP7

Ambry Genetics
Classification: Likely benign for Inborn genetic diseases. Last evaluated: 2024-10-08. Review status: criteria provided, single submitter. Criteria: Ambry Variant Classification Scheme 2023. Collection method: clinical testing. Allele origin: germline.

NM_001277062.2(MFF):c.441T>A (p.Leu147=)

Gene: MFF (mitochondrial fission factor; plus strand). Cytogenetic location: 2q36.3.
Variant type: single nucleotide variant.
Coding change: c.441T>A on transcript NM_001277062.2 (MANE Select); coding-DNA position 441, T replaced by A.
Protein change: p.Leu147=; no amino-acid change (leucine 147 retained).
Molecular consequence: synonymous variant. On other transcripts: intron variant (5).
Genome position (GRCh38, 1-based): chr2:227,347,226, T>A. VCF-style: chr2-227347226-T-A. GRCh37 (hg19) VCF-style: chr2-228211942-T-A.
Other names: p.Thr198=; c.594T>A, p.Thr198= (NM_001277061.2, NM_020194.5); c.291T>A, p.Leu97= (NM_001277067.1); c.515+4407T>A (NM_001277063.2); c.441-5288T>A (NM_001277064.2); c.440+6846T>A (NM_001277065.2, NM_001277066.2); c.441-117T>A (NM_001277068.1).
Identifiers: ClinVar variation 3395455 (VCV003395455.2).